The following is an entry in ClinVar:

ClinVar aggregate classification (germline): Uncertain significance (1 of 4 stars; one submission).

Submission:

Labcorp Genetics (formerly Invitae), Labcorp
Classification: Uncertain significance. Last evaluated: 2025-11-30. Review status: criteria provided, single submitter. Criteria: Invitae Variant Classification Sherloc (09022015). Collection method: clinical testing. Allele origin: germline.
Comment: This sequence change replaces asparagine, which is neutral and polar, with serine, which is neutral and polar, at codon 226 of the ANK3 protein (p.Asn226Ser). This variant is not present in population databases (gnomAD no frequency). This variant has not been reported in the literature in individuals affected with ANK3-related conditions. An algorithm developed to predict the effect of missense changes on protein structure and function outputs the following: PolyPhen-2: "Benign". The serine amino acid residue is found in multiple mammalian species, which suggests that this missense change does not adversely affect protein function. In summary, the available evidence is currently insufficient to determine the role of this variant in disease. Therefore, it has been classified as a Variant of Uncertain Significance.

NM_020987.5(ANK3):c.677A>G (p.Asn226Ser)

Gene: ANK3 (ankyrin 3; minus strand). Cytogenetic location: 10q21.2.
Variant type: single nucleotide variant.
Coding change: c.677A>G on transcript NM_020987.5 (MANE Select); coding-DNA position 677, A replaced by G.
Protein change: p.Asn226Ser; replaces asparagine 226 with serine.
Molecular consequence: missense variant.
Genome position (GRCh38, 1-based): chr10:60,263,857, T>C on the plus strand (A>G on the coding strand, the complement: ANK3 is on the minus strand). VCF-style: chr10-60263857-T-C. GRCh37 (hg19) VCF-style: chr10-62023615-T-C.
Other names: c.659A>G, p.Asn220Ser (NM_001204403.2); c.626A>G, p.Asn209Ser (NM_001204404.2); c.677A>G, p.Asn226Ser (NM_001320874.2); short protein forms N226S, N220S, N209S.
Identifiers: ClinVar variation 4782121 (VCV004782121.1).